The following is an entry in ClinVar:

ClinVar aggregate classification (germline): Uncertain significance (1 of 4 stars; one submission).

Conditions:
Arrhythmogenic right ventricular dysplasia 13. Also called: ARRHYTHMOGENIC RIGHT VENTRICULAR CARDIOMYOPATHY 13; Arrhythmogenic right ventricular dysplasia, familial, 13. Identifiers: MedGen C3810138, MONDO:0000908, OMIM 615616.

Submission:

Labcorp Genetics (formerly Invitae), Labcorp
Classification: Uncertain significance for Arrhythmogenic right ventricular dysplasia 13. Last evaluated: 2023-06-27. Review status: criteria provided, single submitter. Criteria: Invitae Variant Classification Sherloc (09022015). Collection method: clinical testing. Allele origin: germline.
Comment: This variant is not present in population databases (gnomAD no frequency). This sequence change replaces isoleucine, which is neutral and non-polar, with threonine, which is neutral and polar, at codon 221 of the CTNNA3 protein (p.Ile221Thr). This variant has not been reported in the literature in individuals affected with CTNNA3-related conditions. Advanced modeling of protein sequence and biophysical properties (such as structural, functional, and spatial information, amino acid conservation, physicochemical variation, residue mobility, and thermodynamic stability) performed at Invitae indicates that this missense variant is not expected to disrupt CTNNA3 protein function. In summary, the available evidence is currently insufficient to determine the role of this variant in disease. Therefore, it has been classified as a Variant of Uncertain Significance.

NM_013266.4(CTNNA3):c.662T>C (p.Ile221Thr)

Gene: CTNNA3 (catenin alpha 3; minus strand). Cytogenetic location: 10q21.3.
Variant type: single nucleotide variant.
Coding change: c.662T>C on transcript NM_013266.4 (MANE Select); coding-DNA position 662, T replaced by C.
Protein change: p.Ile221Thr; replaces isoleucine 221 with threonine.
Molecular consequence: missense variant.
Genome position (GRCh38, 1-based): chr10:67,219,788, A>G on the plus strand (T>C on the coding strand, the complement: CTNNA3 is on the minus strand). VCF-style: chr10-67219788-A-G. GRCh37 (hg19) VCF-style: chr10-68979546-A-G.
Other names: c.662T>C, p.Ile221Thr (NM_001127384.3); c.698T>C, p.Ile233Thr (NM_001291133.2); short protein forms I221T, I233T.
Identifiers: ClinVar variation 2730978 (VCV002730978.3), dbSNP rs2548040097, ClinGen allele CA377095862.